The following is an entry in ClinVar:

ClinVar aggregate classification (germline): Uncertain significance (1 of 4 stars; one submission).

Submission:

GeneDx
Classification: Uncertain significance. Last evaluated: 2022-11-04. Review status: criteria provided, single submitter. Criteria: GeneDx Variant Classification Process June 2021. Collection method: clinical testing. Allele origin: germline. Affected: yes.
Comment: Not observed at significant frequency in large population cohorts (gnomAD); Has not been previously published as pathogenic or benign to our knowledge; In silico analysis is inconclusive as to whether the variant alters gene splicing. In the absence of RNA/functional studies, the actual effect of this sequence change is unknown.

NM_001042492.3(NF1):c.1845+4del

Gene: NF1 (neurofibromin 1; plus strand). Cytogenetic location: 17q11.2.
Variant type: Deletion.
Coding change: c.1845+4del on transcript NM_001042492.3 (MANE Select); 4 bases into the intron after coding-DNA position 1845, one base deleted (A; older notation c.1845+4delA).
Molecular consequence: intron variant.
Genome position (GRCh38, 1-based): chr17:31,223,571, A deleted; the last of 2 consecutive A bases (chr17:31,223,570-31,223,571); deleting either gives the same sequence. VCF-style (leftmost placement, unchanged base first): chr17-31223569-TA-T. GRCh37 (hg19) VCF-style: chr17-29550587-TA-T.
Other names: c.1845+4del (NM_000267.4).
Identifiers: ClinVar variation 2501440 (VCV002501440.1), dbSNP rs2508126992, ClinGen allele CA2580614083.
Genomic context (GRCh38, chr17:31,223,569, plus strand): 5'-TTCTCAAGTGGTTGCGGGAAATATTGATCTGCAGGAATAAATTTCTTCTTAAAAATAAGG[TA>T]AGCAAAATGACATATTTAAAAAATGGAAGAATATTTGGAATGGTAATGGTGAGAGATTAC-3'